The following is an entry in ClinVar:

ClinVar aggregate classification (germline): Uncertain significance (1 of 4 stars; one submission).

Conditions:
Intellectual developmental disorder, X-linked, syndromic, Houge type. Also called: MENTAL RETARDATION, X-LINKED, SYNDROMIC, HOUGE TYPE; Intellectual disability, X-linked, syndromic, Houge type. Identifiers: MedGen C4538788, MONDO:0030909, OMIM 301008.

Submission:

Laboratorio de Genetica e Diagnostico Molecular, Hospital Israelita Albert Einstein
Classification: Uncertain significance for Intellectual developmental disorder, X-linked, syndromic, Houge type. Last evaluated: 2025-01-29. Review status: criteria provided, single submitter. Criteria: ACMG Guidelines, 2015. Collection method: clinical testing. Allele origin: germline. Affected: yes.
Comment: ACMG classification criteria: PM2 supporting, PP2 supporting, BP4 supporting

NM_014927.5(CNKSR2):c.1030G>A (p.Asp344Asn)

Gene: CNKSR2 (connector enhancer of kinase suppressor of Ras 2; plus strand). Cytogenetic location: Xp22.12.
Variant type: single nucleotide variant.
Coding change: c.1030G>A on transcript NM_014927.5 (MANE Select); coding-DNA position 1030, G replaced by A.
Protein change: p.Asp344Asn; replaces aspartic acid 344 with asparagine.
Molecular consequence: missense variant.
Genome position (GRCh38, 1-based): chrX:21,526,939, G>A. VCF-style: chrX-21526939-G-A. GRCh37 (hg19) VCF-style: chrX-21545057-G-A.
Other names: c.1030G>A, p.Asp344Asn (NM_001168647.3, NM_001168648.3, NM_001330773.2); c.883G>A, p.Asp295Asn (NM_001168649.3, NM_001330770.2, NM_001330771.2 and 1 more transcripts); short protein forms D295N, D344N.
Identifiers: ClinVar variation 3901907 (VCV003901907.1).
Genomic context (GRCh38, chrX:21,526,939, plus strand): 5'-AGAAGTCCCACAAGCAGCGTTGCCACGCCTTCCAGCACCATCAGTACACCCACCAAAAGA[G>A]ACAGTTCTGCCCTCCAGGATCTCTACATTCCCCCTCCTCCTGCAGAACCATATATTCCCA-3'
Protein context (NP_055742.2, residues 334-354): SSTISTPTKR[Asp344Asn]SSALQDLYIP